The following is an entry in ClinVar:

ClinVar aggregate classification (germline): Uncertain significance (1 of 4 stars; one submission).

Conditions:
Fanconi anemia (FA). Also called: Fanconi's anemia. Identifiers: Orphanet 84, MedGen C0015625, MeSH D005199, MONDO:0019391.

Submission:

Labcorp Genetics (formerly Invitae), Labcorp
Classification: Uncertain significance for Fanconi anemia. Last evaluated: 2022-07-24. Review status: criteria provided, single submitter. Criteria: Invitae Variant Classification Sherloc (09022015). Collection method: clinical testing. Allele origin: germline.
Comment: In summary, the available evidence is currently insufficient to determine the role of this variant in disease. Therefore, it has been classified as a Variant of Uncertain Significance. Algorithms developed to predict the effect of missense changes on protein structure and function are either unavailable or do not agree on the potential impact of this missense change (SIFT: "Tolerated"; PolyPhen-2: "Probably Damaging"; Align-GVGD: "Class C0"). This variant has not been reported in the literature in individuals affected with FANCM-related conditions. This sequence change replaces alanine, which is neutral and non-polar, with aspartic acid, which is acidic and polar, at codon 1928 of the FANCM protein (p.Ala1928Asp). This variant is not present in population databases (gnomAD no frequency).

NM_020937.4(FANCM):c.5783C>A (p.Ala1928Asp)

Gene: FANCM (FA complementation group M; plus strand). Cytogenetic location: 14q21.2.
Variant type: single nucleotide variant.
Coding change: c.5783C>A on transcript NM_020937.4 (MANE Select); coding-DNA position 5783, C replaced by A.
Protein change: p.Ala1928Asp; replaces alanine 1928 with aspartic acid.
Molecular consequence: missense variant.
Genome position (GRCh38, 1-based): chr14:45,198,710, C>A. VCF-style: chr14-45198710-C-A. GRCh37 (hg19) VCF-style: chr14-45667913-C-A.
Other names: c.5705C>A, p.Ala1902Asp (NM_001308133.2); short protein forms A1902D, A1928D.
Identifiers: ClinVar variation 1713715 (VCV001713715.5), dbSNP rs2503279938, ClinGen allele CA389586763.